The following is an entry in ClinVar:

ClinVar aggregate classification (germline): Uncertain significance (1 of 4 stars; one submission).

Submission:

Labcorp Genetics (formerly Invitae), Labcorp
Classification: Uncertain significance. Last evaluated: 2022-07-23. Review status: criteria provided, single submitter. Criteria: Invitae Variant Classification Sherloc (09022015). Collection method: clinical testing. Allele origin: germline.
Comment: Advanced modeling of protein sequence and biophysical properties (such as structural, functional, and spatial information, amino acid conservation, physicochemical variation, residue mobility, and thermodynamic stability) performed at Invitae indicates that this missense variant is not expected to disrupt LRP2 protein function. In summary, the available evidence is currently insufficient to determine the role of this variant in disease. Therefore, it has been classified as a Variant of Uncertain Significance. This variant has not been reported in the literature in individuals affected with LRP2-related conditions. This variant is not present in population databases (gnomAD no frequency). This sequence change replaces methionine, which is neutral and non-polar, with arginine, which is basic and polar, at codon 2552 of the LRP2 protein (p.Met2552Arg).

NM_004525.3(LRP2):c.7655T>G (p.Met2552Arg)

Gene: LRP2 (LDL receptor related protein 2; minus strand). Cytogenetic location: 2q31.1.
Variant type: single nucleotide variant.
Coding change: c.7655T>G on transcript NM_004525.3 (MANE Select); coding-DNA position 7655, T replaced by G.
Protein change: p.Met2552Arg; replaces methionine 2552 with arginine.
Molecular consequence: missense variant.
Genome position (GRCh38, 1-based): chr2:169,205,539, A>C on the plus strand (T>G on the coding strand, the complement: LRP2 is on the minus strand). VCF-style: chr2-169205539-A-C. GRCh37 (hg19) VCF-style: chr2-170062049-A-C.
Other names: short protein forms M2552R.
Identifiers: ClinVar variation 2187234 (VCV002187234.4), dbSNP rs2545804768, ClinGen allele CA349169242.